The following is an entry in ClinVar:

NM_015102.5(NPHP4):c.3677G>A (p.Trp1226Ter)

Gene: NPHP4 (nephrocystin 4; minus strand). Cytogenetic location: 1p36.31.
Variant type: single nucleotide variant.
Coding change: c.3677G>A on transcript NM_015102.5 (MANE Select); coding-DNA position 3677, G replaced by A.
Protein change: p.Trp1226Ter; replaces tryptophan 1226 with a stop codon.
Molecular consequence: nonsense. On other transcripts: non-coding transcript variant (1).
Genome position (GRCh38, 1-based): chr1:5,865,241, C>T on the plus strand (G>A on the coding strand, the complement: NPHP4 is on the minus strand). VCF-style: chr1-5865241-C-T. GRCh37 (hg19) VCF-style: chr1-5925301-C-T.
Other names: c.2138G>A, p.Trp713Ter (NM_001291593.2); c.2141G>A, p.Trp714Ter (NM_001291594.2); short protein forms W1226*, W713*, W714*.
Identifiers: ClinVar variation 3899305 (VCV003899305.1).

ClinVar aggregate classification (germline): Likely pathogenic (1 of 4 stars; one submission).

Conditions:
Incidental Discovery. Identifiers: MedGen C1135954.

gnomAD v4.1: 2 of 1,587,794 alleles (0.00013%); highest among the groups gnomAD compares: Non-Finnish European, 0.00017%; no homozygotes.

Submission:

Clinical Genetics Laboratory, Skane University Hospital Lund
Classification: Likely pathogenic for Incidental Discovery. Last evaluated: 2025-05-16. Review status: criteria provided, single submitter. Criteria: ACMG Guidelines, 2015. Collection method: clinical testing. Allele origin: germline. Affected: no.
Comment: ACMG criteria used: PVS1, PM2